The following is an entry in ClinVar:

NM_001256545.2(MEGF10):c.2179T>C (p.Tyr727His)

Gene: MEGF10 (multiple EGF like domains 10; plus strand). Cytogenetic location: 5q23.2.
Variant type: single nucleotide variant.
Coding change: c.2179T>C on transcript NM_001256545.2 (MANE Select); coding-DNA position 2179, T replaced by C.
Protein change: p.Tyr727His; replaces tyrosine 727 with histidine.
Molecular consequence: missense variant.
Genome position (GRCh38, 1-based): chr5:127,438,513, T>C. VCF-style: chr5-127438513-T-C. GRCh37 (hg19) VCF-style: chr5-126774205-T-C.
Other names: c.2179T>C, p.Tyr727His (NM_032446.3); short protein forms Y727H.
Identifiers: ClinVar variation 1370919 (VCV001370919.6), dbSNP rs1765638849, ClinGen allele CA360732929.

ClinVar aggregate classification (germline): Uncertain significance (1 of 4 stars; one submission).

Conditions:
MEGF10-related myopathy (CMYO10A). Also called: Congenital myopathy 10A, severe variant. Identifiers: Orphanet 439212, MedGen C3280679, MONDO:0013731, OMIM 614399.

Allele frequency attached by ClinVar (database versions not stated): gnomAD exomes below 0.00001.
gnomAD v4.1: 1 of 1,614,140 alleles (0.000062%); highest among the groups gnomAD compares: South Asian, 0.0011%; no homozygotes.

Submission:

Labcorp Genetics (formerly Invitae), Labcorp
Classification: Uncertain significance for MEGF10-related myopathy. Last evaluated: 2022-08-09. Review status: criteria provided, single submitter. Criteria: Invitae Variant Classification Sherloc (09022015). Collection method: clinical testing. Allele origin: germline.
Comment: In summary, the available evidence is currently insufficient to determine the role of this variant in disease. Therefore, it has been classified as a Variant of Uncertain Significance. Algorithms developed to predict the effect of missense changes on protein structure and function are either unavailable or do not agree on the potential impact of this missense change (SIFT: "Deleterious"; PolyPhen-2: "Probably Damaging"; Align-GVGD: "Class C0"). ClinVar contains an entry for this variant (Variation ID: 1370919). This variant has not been reported in the literature in individuals affected with MEGF10-related conditions. This variant is not present in population databases (gnomAD no frequency). This sequence change replaces tyrosine, which is neutral and polar, with histidine, which is basic and polar, at codon 727 of the MEGF10 protein (p.Tyr727His).